The following is an entry in ClinVar:

NM_005222.4(DLX6):c.134CGC[14] (p.Pro49_Pro53dup)

Genes: DLX6 (distal-less homeobox 6; plus strand), DLX6-AS1 (DLX6 antisense RNA 1; minus strand). Cytogenetic location: 7q21.3.
Variant type: Microsatellite.
Coding change: c.134CGC[14] on transcript NM_005222.4 (MANE Select); 14 copies in a row of the 3-base unit CGC starting at c.134; the reference has nine copies in a row; five copies, 15 bases duplicated.
Protein change: p.Pro49_Pro53dup.
Molecular consequence: inframe insertion.
Genome position (GRCh38, 1-based): chr7:97,006,123-97,006,137, CGCCGCCGCCGCCGC duplicated; duplicating any 15 consecutive bases within chr7:97,006,109-97,006,137 gives the same sequence; the position shown is the placement nearest the transcript's 3' end. VCF-style (leftmost placement, unchanged base first): chr7-97006108-A-AGCCGCCGCCGCCGCC. GRCh37 (hg19) VCF-style: chr7-96635420-A-AGCCGCCGCCGCCGCC.
Identifiers: ClinVar variation 1420860 (VCV001420860.8), dbSNP rs559903070, ClinGen allele CA844266422.
Genomic context (GRCh38, chr7:97,006,108, plus strand): 5'-TCGGGCAGCAGCAGCAGCAGCAGCAGCAACAGCAGCAGCAGCAGCAGCAGCAACAGCAAC[A>AGCCGCCGCCGCCGCC]GCCGCCGCCGCCGCCGCCGCCGCCGCCGCAGCCGCACTCGCAGCAGAGCTCCCCGGCCAT-3'

ClinVar aggregate classification (germline): Uncertain significance (1 of 4 stars; one submission).

Submission:

Labcorp Genetics (formerly Invitae), Labcorp
Classification: Uncertain significance. Last evaluated: 2022-07-05. Review status: criteria provided, single submitter. Criteria: Invitae Variant Classification Sherloc (09022015). Collection method: clinical testing. Allele origin: germline.
Comment: This variant, c.146_160dup, results in the insertion of 5 amino acid(s) of the DLX6 protein (p.Pro49_Pro53dup), but otherwise preserves the integrity of the reading frame. This variant is not present in population databases (gnomAD no frequency). This variant has not been reported in the literature in individuals affected with DLX6-related conditions. Experimental studies and prediction algorithms are not available or were not evaluated, and the functional significance of this variant is currently unknown. In summary, the available evidence is currently insufficient to determine the role of this variant in disease. Therefore, it has been classified as a Variant of Uncertain Significance.